The following is an entry in ClinVar:

NM_000057.4(BLM):c.806G>T (p.Ser269Ile)

Gene: BLM (BLM RecQ like helicase; plus strand). Cytogenetic location: 15q26.1.
Variant type: single nucleotide variant.
Coding change: c.806G>T on transcript NM_000057.4 (MANE Select); coding-DNA position 806, G replaced by T.
Protein change: p.Ser269Ile; replaces serine 269 with isoleucine.
Molecular consequence: missense variant. On other transcripts: 5 prime UTR variant (1).
Genome position (GRCh38, 1-based): chr15:90,751,793, G>T. VCF-style: chr15-90751793-G-T. GRCh37 (hg19) VCF-style: chr15-91295023-G-T.
Other names: c.806G>T, p.Ser269Ile (NM_001287246.2, NM_001287247.2); c.-486G>T (NM_001287248.2); short protein forms S269I.
Identifiers: ClinVar variation 3224919 (VCV003224919.1), dbSNP rs2151149490, ClinGen allele CA393841621.
Genomic context (GRCh38, chr15:90,751,793, plus strand): 5'-TTTCTGTCTCATTAGTGGTTAACAAATCTATGTTTATCAACTGTTTTACTGTAGATAATA[G>T]CGAAAAGAAGAAGAATTTGGAAGAAGCTGAATTACATTCAACTGAGAAAGTTCCATGTAT-3'
Protein context (NP_000048.1, residues 259-279): KTHLEDERDN[Ser269Ile]EKKKNLEEAE

ClinVar aggregate classification (germline): Uncertain significance (1 of 4 stars; one submission).

Conditions:
Hereditary cancer-predisposing syndrome. Also called: Neoplastic Syndromes, Hereditary; Tumor predisposition; Hereditary neoplastic syndrome; Hereditary Cancer Syndrome. Identifiers: Orphanet 140162, MedGen C0027672, MeSH D009386, MONDO:0015356.

Submission:

Ambry Genetics
Classification: Uncertain significance for Hereditary cancer-predisposing syndrome. Last evaluated: 2024-01-20. Review status: criteria provided, single submitter. Criteria: Ambry Variant Classification Scheme 2023. Collection method: clinical testing. Allele origin: germline.
Comment: The p.S269I variant (also known as c.806G>T), located in coding exon 3 of the BLM gene, results from a G to T substitution at nucleotide position 806. The serine at codon 269 is replaced by isoleucine, an amino acid with dissimilar properties. This amino acid position is conserved. In addition, this alteration is predicted to be tolerated by in silico analysis. Based on the available evidence, the clinical significance of this alteration remains unclear.